The following is an entry in ClinVar:

ClinVar aggregate classification (germline): Uncertain significance (1 of 4 stars; one submission).

Submission:

Labcorp Genetics (formerly Invitae), Labcorp
Classification: Uncertain significance. Last evaluated: 2025-08-04. Review status: criteria provided, single submitter. Criteria: Invitae Variant Classification Sherloc (09022015). Collection method: clinical testing. Allele origin: germline.
Comment: This sequence change replaces glycine, which is neutral and non-polar, with alanine, which is neutral and non-polar, at codon 77 of the KMT2A protein (p.Gly77Ala). This variant is not present in population databases (gnomAD no frequency). This variant has not been reported in the literature in individuals affected with KMT2A-related conditions. ClinVar contains an entry for this variant (Variation ID: 2871685). Invitae Evidence Modeling of protein sequence and biophysical properties (such as structural, functional, and spatial information, amino acid conservation, physicochemical variation, residue mobility, and thermodynamic stability) indicates that this missense variant is not expected to disrupt KMT2A protein function with a negative predictive value of 95%. In summary, the available evidence is currently insufficient to determine the role of this variant in disease. Therefore, it has been classified as a Variant of Uncertain Significance.

NM_001197104.2(KMT2A):c.230G>C (p.Gly77Ala)

Gene: KMT2A (lysine methyltransferase 2A; plus strand). Cytogenetic location: 11q23.3.
Variant type: single nucleotide variant.
Coding change: c.230G>C on transcript NM_001197104.2 (MANE Select); coding-DNA position 230, G replaced by C.
Protein change: p.Gly77Ala; replaces glycine 77 with alanine.
Molecular consequence: missense variant.
Genome position (GRCh38, 1-based): chr11:118,436,742, G>C. VCF-style: chr11-118436742-G-C. GRCh37 (hg19) VCF-style: chr11-118307457-G-C.
Other names: c.230G>C, p.Gly77Ala (NM_001412597.1, NM_005933.4); short protein forms G77A.
Identifiers: ClinVar variation 2871685 (VCV002871685.3), dbSNP rs782653706, ClinGen allele CA382797705.